The following is an entry in ClinVar:

NM_005956.4(MTHFD1):c.109C>T (p.Arg37Cys)

Gene: MTHFD1 (methylenetetrahydrofolate dehydrogenase, cyclohydrolase and formyltetrahydrofolate synthetase 1; plus strand). Cytogenetic location: 14q23.3.
Variant type: single nucleotide variant.
Coding change: c.109C>T on transcript NM_005956.4 (MANE Select); coding-DNA position 109, C replaced by T.
Protein change: p.Arg37Cys; replaces arginine 37 with cysteine.
Molecular consequence: missense variant.
Genome position (GRCh38, 1-based): chr14:64,400,860, C>T. VCF-style: chr14-64400860-C-T. GRCh37 (hg19) VCF-style: chr14-64867578-C-T.
Other names: c.109C>T, p.Arg37Cys (NM_001364837.1); short protein forms R37C.
Identifiers: ClinVar variation 992516 (VCV000992516.4), dbSNP rs111509453, ClinGen allele CA7225828.

ClinVar aggregate classification (germline): Uncertain significance (1 of 4 stars; one submission).

Conditions:
Combined immunodeficiency and megaloblastic anemia with or without hyperhomocysteinemia. Also called: METHYLENETETRAHYDROFOLATE DEHYDROGENASE 1 DEFICIENCY; COMBINED IMMUNODEFICIENCY AND MEGALOBLASTIC ANEMIA. Identifiers: Orphanet 658813, MedGen C4540434, MONDO:0060611, OMIM 617780.
Neural tube defects, folate-sensitive (NTDFS). Also called: NTD, FOLATE-SENSITIVE. Identifiers: Orphanet 823, MedGen C1866558, MONDO:0011120, OMIM 601634.

Allele frequency attached by ClinVar (database versions not stated): gnomAD 0.00006; TOPMed 0.00010.
gnomAD v4.1: 56 of 1,610,458 alleles (0.0035%); highest among the groups gnomAD compares: Middle Eastern, 0.016%; no homozygotes.

Submission:

Center for Genomics, Ann and Robert H. Lurie Children's Hospital of Chicago
Classification: Uncertain significance for Neural tube defects, folate-sensitive; Combined immunodeficiency and megaloblastic anemia with or without hyperhomocysteinemia. Review status: criteria provided, single submitter. Criteria: ACMG Guidelines, 2015. Collection method: clinical testing. Allele origin: germline.
Comment: MTHFD1 NM_005956.3 exon 2 p.Arg37Cys (c.109C>T): This variant has not been reported in the literature but is present in 0.02% (6/24950) of African alleles in the Genome Aggregation Database. This variant amino acid Cysteine (Cys) is present in 4 species (Guinea Pig, Chinchilla, Brush-tailed rat, Horse) and is not well conserved among evolutionarily distant species; this suggests that this variant may not impact the protein. Additional computational prediction tools do not suggest an impact. In summary, data on this variant is insufficient for disease classification. Therefore, the clinical significance of this variant is uncertain.